The following is an entry in ClinVar:

ClinVar aggregate classification (germline): Uncertain significance (1 of 4 stars; one submission).

Conditions:
BAP1-related tumor predisposition syndrome (TPDS1). Also called: TUMOR PREDISPOSITION SYNDROME 1; BAP1 tumor predisposition syndrome; Tumor susceptibility linked to germline BAP1 mutations; COMMON Syndrome. Identifiers: Orphanet 289539, MedGen C3280492, MONDO:0013692, OMIM 614327.

Submission:

Labcorp Genetics (formerly Invitae), Labcorp
Classification: Uncertain significance for BAP1-related tumor predisposition syndrome. Last evaluated: 2024-08-01. Review status: criteria provided, single submitter. Criteria: Invitae Variant Classification Sherloc (09022015). Collection method: clinical testing. Allele origin: germline.
Comment: This sequence change falls in intron 16 of the BAP1 gene. It does not directly change the encoded amino acid sequence of the BAP1 protein. It affects a nucleotide within the consensus splice site. This variant is not present in population databases (gnomAD no frequency). This variant has not been reported in the literature in individuals affected with BAP1-related conditions. Variants that disrupt the consensus splice site are a relatively common cause of aberrant splicing (PMID: 17576681, 9536098). RNA analysis performed to evaluate the impact of this variant on mRNA splicing indicates it does not significantly alter splicing (Invitae). In summary, the available evidence is currently insufficient to determine the role of this variant in disease. Therefore, it has been classified as a Variant of Uncertain Significance.

Literature cited by the submitters: PubMed 17576681; PubMed 9536098.

NM_004656.4(BAP1):c.2056+3G>T

Gene: BAP1 (BRCA1 associated deubiquitinase 1; minus strand). Cytogenetic location: 3p21.1.
Variant type: single nucleotide variant.
Coding change: c.2056+3G>T on transcript NM_004656.4 (MANE Select); 3 bases into the intron after coding-DNA position 2056, G replaced by T.
Molecular consequence: intron variant.
Genome position (GRCh38, 1-based): chr3:52,402,599, C>A on the plus strand (G>T on the coding strand, the complement: BAP1 is on the minus strand). VCF-style: chr3-52402599-C-A. GRCh37 (hg19) VCF-style: chr3-52436615-C-A.
Other names: c.2002+3G>T (NM_001410772.1).
Identifiers: ClinVar variation 3705647 (VCV003705647.2).
Genomic context (GRCh38, chr3:52,402,599, plus strand): 5'-GGGAGCTGAAGGACACGGCCCTCAGCAGGGCATTCCAGTTAAGACAGCAGCGCATCCCCT[C>A]ACCTTCCTGAGCCAGCATGGAGATAAAGGTGCAGATGAACTCATCGTAGTTGTGGGTCCT-3'